The following is an entry in ClinVar:

NM_174936.4(PCSK9):c.1697G>C (p.Trp566Ser)

Gene: PCSK9 (proprotein convertase subtilisin/kexin type 9; plus strand). Cytogenetic location: 1p32.3.
Variant type: single nucleotide variant.
Coding change: c.1697G>C on transcript NM_174936.4 (MANE Select); coding-DNA position 1697, G replaced by C.
Protein change: p.Trp566Ser; replaces tryptophan 566 with serine.
Molecular consequence: missense variant.
Genome position (GRCh38, 1-based): chr1:55,061,390, G>C. VCF-style: chr1-55061390-G-C. GRCh37 (hg19) VCF-style: chr1-55527063-G-C.
Other names: c.1820G>C, p.Trp607Ser (NM_001407240.1); c.1739G>C, p.Trp580Ser (NM_001407241.1); c.1700G>C, p.Trp567Ser (NM_001407242.1); c.1640G>C, p.Trp547Ser (NM_001407243.1); c.1523G>C, p.Trp508Ser (NM_001407244.1); c.1505G>C, p.Trp502Ser (NM_001407245.1); c.1322G>C, p.Trp441Ser (NM_001407246.1); c.1196G>C, p.Trp399Ser (NM_001407247.1); short protein forms W566S, W508S, W399S, W502S, W567S, W441S, W580S, W607S.
Identifiers: ClinVar variation 297703 (VCV000297703.8), dbSNP rs886046434, ClinGen allele CA10610501.

ClinVar aggregate classification (germline): Uncertain significance. Review status: criteria provided, multiple submitters, no conflicts (2 of 4 stars). 5 submissions from 4 submitters: Uncertain significance (5). Last evaluated 2025-11-23.

Conditions:
Hypobetalipoproteinemia. Identifiers: Orphanet 31154, MedGen C0020597, MONDO:0017774.
Familial hypercholesterolemia. Also called: Familial hypercholesterolemias; Familial hypercholesterolaemia. Identifiers: MedGen C0020445, MONDO:0005439.
Hypercholesterolemia, autosomal dominant, 3 (FHCL3). Also called: PCSK9-Related Familial Hypercholesterolemia, Autosomal Dominant; Familial hypercholesterolemia 3; Familial Hypercholesterolemia, Autosomal Dominant, 3. Identifiers: MedGen C1863551, MONDO:0011369, OMIM 603776.

Allele frequency attached by ClinVar (database versions not stated): TOPMed below 0.00001; gnomAD 0.00001; gnomAD exomes 0.00001.
gnomAD v4.1: 19 of 1,608,770 alleles (0.0012%); highest among the groups gnomAD compares: Non-Finnish European, 0.0016%; no homozygotes.

Submissions (5):

Labcorp Genetics (formerly Invitae), Labcorp
Classification: Uncertain significance for Hypercholesterolemia, autosomal dominant, 3. Last evaluated: 2025-11-23. Review status: criteria provided, single submitter. Criteria: Invitae Variant Classification Sherloc (09022015). Collection method: clinical testing. Allele origin: germline.
Comment: This sequence change replaces tryptophan, which is neutral and slightly polar, with serine, which is neutral and polar, at codon 566 of the PCSK9 protein (p.Trp566Ser). This variant is not present in population databases (gnomAD no frequency). This variant has not been reported in the literature in individuals affected with PCSK9-related conditions. ClinVar contains an entry for this variant (Variation ID: 297703). Invitae Evidence Modeling of protein sequence and biophysical properties (such as structural, functional, and spatial information, amino acid conservation, physicochemical variation, residue mobility, and thermodynamic stability) indicates that this missense variant is not expected to disrupt PCSK9 protein function with a negative predictive value of 80%. In summary, the available evidence is currently insufficient to determine the role of this variant in disease. Therefore, it has been classified as a Variant of Uncertain Significance.

Color Diagnostics, LLC DBA Color Health
Classification: Uncertain significance for Familial hypercholesterolemia. Last evaluated: 2024-03-06. Review status: criteria provided, single submitter. Criteria: ACMG Guidelines, 2015. Collection method: clinical testing. Allele origin: germline.
Comment: This missense variant replaces tryptophan with serine at codon 566 of the PCSK9 protein. Computational prediction suggests that this variant may not impact protein structure and function. To our knowledge, functional studies have not been reported for this variant. This variant has not been reported in individuals affected with PCSK9-related disorders in the literature. This variant has not been identified in the general population by the Genome Aggregation Database (gnomAD). The available evidence is insufficient to determine the role of this variant in disease conclusively. Therefore, this variant is classified as a Variant of Uncertain Significance.

All of Us Research Program, National Institutes of Health
Classification: Uncertain significance for Hypercholesterolemia, autosomal dominant, 3. Last evaluated: 2023-09-17. Review status: criteria provided, single submitter. Criteria: ACMG Guidelines, 2015. Collection method: clinical testing. Allele origin: germline. Inheritance: Autosomal dominant inheritance. Observed: 3 variant alleles, 3 heterozygotes.
Comment: This missense variant replaces tryptophan with serine at codon 566 of the PCSK9 protein. Computational prediction suggests that this variant may not impact protein structure and function (internally defined REVEL score threshold <= 0.5, PMID: 27666373). To our knowledge, functional studies have not been reported for this variant. This variant has not been reported in individuals affected with PCSK9-related disorders in the literature. This variant has not been identified in the general population by the Genome Aggregation Database (gnomAD). The available evidence is insufficient to determine the role of this variant in disease conclusively. Therefore, this variant is classified as a Variant of Uncertain Significance.

This study involves interpretation of variants in research participants for the purpose of population health screening. Participant phenotype was not available at the time of variant classification. Additional details can be found in publication PMID: 35346344, PMCID: PMC8962531

Illumina Laboratory Services, Illumina
Classification: Uncertain significance for Hypercholesterolemia, autosomal dominant, 3. Last evaluated: 2018-01-12. Review status: criteria provided, single submitter. Criteria: ICSL Variant Classification Criteria 13 December 2019. Collection method: clinical testing. Allele origin: germline.

Illumina Laboratory Services, Illumina
Classification: Uncertain significance for Hypobetalipoproteinemia. Last evaluated: 2018-01-12. Review status: criteria provided, single submitter. Criteria: ICSL Variant Classification Criteria 13 December 2019. Collection method: clinical testing. Allele origin: germline.